The following is an entry in ClinVar:

NM_004168.4(SDHA):c.1849C>T (p.Pro617Ser)

Gene: SDHA (succinate dehydrogenase complex flavoprotein subunit A; plus strand). Cytogenetic location: 5p15.33.
Variant type: single nucleotide variant.
Coding change: c.1849C>T on transcript NM_004168.4 (MANE Select); coding-DNA position 1849, C replaced by T.
Protein change: p.Pro617Ser; replaces proline 617 with serine.
Molecular consequence: missense variant.
Genome position (GRCh38, 1-based): chr5:254,447, C>T. VCF-style: chr5-254447-C-T. GRCh37 (hg19) VCF-style: chr5-254562-C-T.
Other names: c.1705C>T, p.Pro569Ser (NM_001294332.2); c.1606C>T, p.Pro536Ser (NM_001330758.2); c.1849C>T (NM_004168.2); short protein forms P617S, P536S, P569S.
Identifiers: ClinVar variation 472361 (VCV000472361.15), dbSNP rs1199988395, ClinGen allele CA359001942.

ClinVar aggregate classification (germline): Uncertain significance. Review status: criteria provided, multiple submitters, no conflicts (2 of 4 stars). 3 submissions from 3 submitters: Uncertain significance (3). Last evaluated 2026-10-01.

Conditions:
Pheochromocytoma/paraganglioma syndrome 5. Also called: SDHA-Related Hereditary Paraganglioma-Pheochromocytoma Syndrome; Paragangliomas 5. Identifiers: Orphanet 29072, MedGen C3279992, MONDO:0013602, OMIM 614165.
Mitochondrial complex II deficiency, nuclear type 1. Also called: SUCCINATE CoQ REDUCTASE DEFICIENCY. Identifiers: Orphanet 3208, MedGen C5700310, MONDO:0100294, OMIM 252011.
Hereditary cancer-predisposing syndrome. Also called: Hereditary neoplastic syndrome; Tumor predisposition; Neoplastic Syndromes, Hereditary; Hereditary Cancer Syndrome. Identifiers: Orphanet 140162, MedGen C0027672, MeSH D009386, MONDO:0015356.

Allele frequency attached by ClinVar (database versions not stated): gnomAD exomes below 0.00001 and 0.00001.
gnomAD v4.1: 4 of 1,599,226 alleles (0.00025%); highest among the groups gnomAD compares: Non-Finnish European, 0.00026%; no homozygotes.

Submissions (3):

St. Jude Molecular Pathology, St. Jude Children's Research Hospital
Classification: Uncertain significance for Pheochromocytoma/paraganglioma syndrome 5. Last evaluated: 2026-10-01. Review status: criteria provided, single submitter. Criteria: St. Jude Assertion Criteria 2020. Collection method: clinical testing. Allele origin: germline.
Comment: The SDHA c.1849C>T p.(Pro617Ser) missense change has a maximum subpopulation frequency of 0.001% in gnomAD v2.1.1. The in silico tool REVEL is inconclusive about a pathogenic or benign effect of this variant on protein function, and to our knowledge functional studies have not been performed. To our knowledge, this variant has not been reported in individuals with SDHA-associated tumors. In summary, the evidence currently available is insufficient to determine the clinical significance of this variant. It has therefore been classified as of uncertain significance.

Ambry Genetics
Classification: Uncertain significance for Hereditary cancer-predisposing syndrome. Last evaluated: 2025-12-15. Review status: criteria provided, single submitter. Criteria: Ambry Variant Classification Scheme 2023. Collection method: clinical testing. Allele origin: germline.
Comment: The p.P617S variant (also known as c.1849C>T), located in coding exon 14 of the SDHA gene, results from a C to T substitution at nucleotide position 1849. The proline at codon 617 is replaced by serine, an amino acid with similar properties. This amino acid position is conserved. In addition, this alteration is predicted to be tolerated by in silico analysis. Since supporting evidence is limited at this time, the clinical significance of this alteration remains unclear.

Labcorp Genetics (formerly Invitae), Labcorp
Classification: Uncertain significance for Pheochromocytoma/paraganglioma syndrome 5; Mitochondrial complex II deficiency, nuclear type 1. Last evaluated: 2023-05-08. Review status: criteria provided, single submitter. Criteria: Invitae Variant Classification Sherloc (09022015). Collection method: clinical testing. Allele origin: germline.
Comment: This sequence change replaces proline, which is neutral and non-polar, with serine, which is neutral and polar, at codon 617 of the SDHA protein (p.Pro617Ser). The frequency data for this variant in the population databases is considered unreliable, as metrics indicate poor data quality at this position in the gnomAD database. This variant has not been reported in the literature in individuals affected with SDHA-related conditions. ClinVar contains an entry for this variant (Variation ID: 472361). Advanced modeling of protein sequence and biophysical properties (such as structural, functional, and spatial information, amino acid conservation, physicochemical variation, residue mobility, and thermodynamic stability) performed at Invitae indicates that this missense variant is not expected to disrupt SDHA protein function. In summary, the available evidence is currently insufficient to determine the role of this variant in disease. Therefore, it has been classified as a Variant of Uncertain Significance.